The following is an entry in ClinVar:

NM_000199.5(SGSH):c.1195G>A (p.Asp399Asn)

Gene: SGSH (N-sulfoglucosamine sulfohydrolase; minus strand). Cytogenetic location: 17q25.3.
Variant type: single nucleotide variant.
Coding change: c.1195G>A on transcript NM_000199.5 (MANE Select); coding-DNA position 1195, G replaced by A.
Protein change: p.Asp399Asn; replaces aspartic acid 399 with asparagine.
Molecular consequence: missense variant. On other transcripts: 3 prime UTR variant (2), non-coding transcript variant (1).
Genome position (GRCh38, 1-based): chr17:80,210,766, C>T on the plus strand (G>A on the coding strand, the complement: SGSH is on the minus strand). VCF-style: chr17-80210766-C-T. GRCh37 (hg19) VCF-style: chr17-78184565-C-T.
Other names: c.*282G>A (NM_001352921.3); c.*245G>A (NM_001352922.2); short protein forms D399N.
Identifiers: ClinVar variation 420956 (VCV000420956.15), dbSNP rs1064794815, ClinGen allele CA16620652.

ClinVar aggregate classification (germline): Conflicting classifications of pathogenicity. Review status: criteria provided, conflicting classifications (1 of 4 stars). 5 submissions from 5 submitters: Pathogenic (1); Likely pathogenic (2); Uncertain significance (2). Last evaluated 2025-06-23.

Conditions:
Mucopolysaccharidosis, MPS-III-A (MPS3A). Also called: HEPARAN SULFATE SULFATASE DEFICIENCY; MUCOPOLYSACCHARIDOSIS, TYPE IIIA, ATTENUATED; Mucopolysaccharidosis, type IIIA; SANFILIPPO SYNDROME A; SULFAMIDASE DEFICIENCY; Mucopolysaccharidosis type IIIA (Sanfilippo A). Identifiers: Orphanet 581, Orphanet 79269, MedGen C0086647, MONDO:0009655, OMIM 252900.

Allele frequency attached by ClinVar (database versions not stated): TOPMed below 0.00001; gnomAD exomes below 0.00001.

Submissions (5):

Labcorp Genetics (formerly Invitae), Labcorp
Classification: Pathogenic for Mucopolysaccharidosis, MPS-III-A. Last evaluated: 2025-06-23. Review status: criteria provided, single submitter. Criteria: Invitae Variant Classification Sherloc (09022015). Collection method: clinical testing. Allele origin: germline.
Comment: This sequence change replaces aspartic acid, which is acidic and polar, with asparagine, which is neutral and polar, at codon 399 of the SGSH protein (p.Asp399Asn). This variant is not present in population databases (gnomAD no frequency). This missense change has been observed in individual(s) with mucopolysaccharidosis type IIIA (internal data). In at least one individual the data is consistent with being in trans (on the opposite chromosome) from a pathogenic variant. ClinVar contains an entry for this variant (Variation ID: 420956). Invitae Evidence Modeling of protein sequence and biophysical properties (such as structural, functional, and spatial information, amino acid conservation, physicochemical variation, residue mobility, and thermodynamic stability) indicates that this missense variant is expected to disrupt SGSH protein function with a positive predictive value of 95%. For these reasons, this variant has been classified as Pathogenic.

Blueprint Genetics
Classification: Uncertain significance. Last evaluated: 2024-09-11. Review status: criteria provided, single submitter. Criteria: ACMG Guidelines, 2015. Collection method: clinical testing. Allele origin: germline.

Genome-Nilou Lab
Classification: Likely pathogenic for Mucopolysaccharidosis, MPS-III-A. Last evaluated: 2021-11-07. Review status: criteria provided, single submitter. Criteria: ACMG Guidelines, 2015. Collection method: clinical testing. Allele origin: germline. Affected: no.

Illumina Laboratory Services, Illumina
Classification: Uncertain significance for Mucopolysaccharidosis, MPS-III-A. Last evaluated: 2017-04-27. Review status: criteria provided, single submitter. Criteria: ICSL Variant Classification Criteria 13 December 2019. Collection method: clinical testing. Allele origin: germline.
Comment: This variant was observed as part of a predisposition screen in an ostensibly healthy population. A literature search was performed for the gene, cDNA change, and amino acid change (where applicable). Publications were found based on this search. However, the evidence from the literature, in combination with allele frequency data from public databases where available, was not sufficient to rule this variant in or out of causing disease. Therefore, this variant is classified as a variant of unknown significance.

GeneDx
Classification: Likely pathogenic. Last evaluated: 2016-05-05. Review status: criteria provided, single submitter. Criteria: GeneDx Variant Classification (06012015). Collection method: clinical testing. Allele origin: germline. Affected: yes.
Comment: The D399N variant in the SGSH gene has not been reported previously as a pathogenic variant, nor as a benign variant, to our knowledge. The D399N variant was not observed in approximately 6500 individuals of European and African American ancestry in the NHLBI Exome Sequencing Project, indicating it is not a common benign variant in these populations. The D399N variant is a semi-conservative amino acid substitution, which may impact secondary protein structure as these residues differ in some properties. This substitution occurs at a position that is conserved across species. In silico analysis is inconsistent in its predictions as to whether or not the variant is damaging to the protein structure/function. The D399N variant is a strong candidate for a pathogenic variant, however the possibility it may be a rare benign variant cannot be excluded.

Literature cited by the submitters: PubMed 24816101 (cited by Illumina Laboratory Services, Illumina).